The following is an entry in ClinVar:

ClinVar aggregate classification (germline): Uncertain significance (1 of 4 stars; one submission).

Conditions:
Hereditary cancer-predisposing syndrome. Also called: Neoplastic Syndromes, Hereditary; Tumor predisposition; Hereditary neoplastic syndrome; Hereditary Cancer Syndrome. Identifiers: Orphanet 140162, MedGen C0027672, MeSH D009386, MONDO:0015356.

Submission:

Ambry Genetics
Classification: Uncertain significance for Hereditary cancer-predisposing syndrome. Last evaluated: 2023-11-23. Review status: criteria provided, single submitter. Criteria: Ambry Variant Classification Scheme 2023. Collection method: clinical testing. Allele origin: germline.
Comment: The p.Q301K variant (also known as c.901C>A), located in coding exon 6 of the DICER1 gene, results from a C to A substitution at nucleotide position 901. The glutamine at codon 301 is replaced by lysine, an amino acid with similar properties. This amino acid position is conserved. In addition, the in silico prediction for this alteration is inconclusive. Since supporting evidence is limited at this time, the clinical significance of this alteration remains unclear.

NM_177438.3(DICER1):c.901C>A (p.Gln301Lys)

Gene: DICER1 (dicer 1, ribonuclease III; minus strand). Cytogenetic location: 14q32.13.
Variant type: single nucleotide variant.
Coding change: c.901C>A on transcript NM_177438.3 (MANE Select); coding-DNA position 901, C replaced by A.
Protein change: p.Gln301Lys; replaces glutamine 301 with lysine.
Molecular consequence: missense variant. On other transcripts: 5 prime UTR variant (1), non-coding transcript variant (6).
Genome position (GRCh38, 1-based): chr14:95,126,582, G>T on the plus strand (C>A on the coding strand, the complement: DICER1 is on the minus strand). VCF-style: chr14-95126582-G-T. GRCh37 (hg19) VCF-style: chr14-95592919-G-T.
Other names: c.901C>A, p.Gln301Lys (NM_001195573.1, NM_001271282.3, NM_001291628.2 and 15 more transcripts); c.619C>A, p.Gln207Lys (NM_001395686.1); c.496C>A, p.Gln166Lys (NM_001395687.1, NM_001395688.1, NM_001395689.1 and 3 more transcripts); c.334C>A, p.Gln112Lys (NM_001395691.1); c.-668C>A (NM_001395697.1); short protein forms Q112K, Q166K, Q207K, Q301K.
Identifiers: ClinVar variation 3229454 (VCV003229454.1), dbSNP rs781144010, ClinGen allele CA390887421.